The following is an entry in ClinVar:

ClinVar aggregate classification (germline): Uncertain significance. Review status: criteria provided, multiple submitters, no conflicts (2 of 4 stars). 2 submissions from 2 submitters: Uncertain significance (2). Last evaluated 2025-04-03.

Conditions:
Inborn genetic diseases. Identifiers: MedGen C0950123, MeSH D030342.

Submissions (2):

Ambry Genetics
Classification: Uncertain significance for Inborn genetic diseases. Last evaluated: 2025-04-03. Review status: criteria provided, single submitter. Criteria: Ambry Variant Classification Scheme 2023. Collection method: clinical testing. Allele origin: germline.

Labcorp Genetics (formerly Invitae), Labcorp
Classification: Uncertain significance. Last evaluated: 2023-06-05. Review status: criteria provided, single submitter. Criteria: Invitae Variant Classification Sherloc (09022015). Collection method: clinical testing. Allele origin: germline.
Comment: In summary, the available evidence is currently insufficient to determine the role of this variant in disease. Therefore, it has been classified as a Variant of Uncertain Significance. Advanced modeling of protein sequence and biophysical properties (such as structural, functional, and spatial information, amino acid conservation, physicochemical variation, residue mobility, and thermodynamic stability) performed at Invitae indicates that this missense variant is not expected to disrupt KCNC3 protein function. This variant has not been reported in the literature in individuals affected with KCNC3-related conditions. This variant is present in population databases (no rsID available, gnomAD 0.006%). This sequence change replaces arginine, which is basic and polar, with serine, which is neutral and polar, at codon 625 of the KCNC3 protein (p.Arg625Ser).

NM_004977.3(KCNC3):c.1875G>C (p.Arg625Ser)

Gene: KCNC3 (potassium voltage-gated channel subfamily C member 3; minus strand). Cytogenetic location: 19q13.33.
Variant type: single nucleotide variant.
Coding change: c.1875G>C on transcript NM_004977.3 (MANE Select); coding-DNA position 1875, G replaced by C.
Protein change: p.Arg625Ser; replaces arginine 625 with serine.
Molecular consequence: missense variant.
Genome position (GRCh38, 1-based): chr19:50,323,078, C>G on the plus strand (G>C on the coding strand, the complement: KCNC3 is on the minus strand). VCF-style: chr19-50323078-C-G. GRCh37 (hg19) VCF-style: chr19-50826335-C-G.
Other names: c.1647G>C, p.Arg549Ser (NM_001372305.1); c.1875G>C (NM_004977.2); short protein forms R549S, R625S.
Identifiers: ClinVar variation 3022825 (VCV003022825.4), dbSNP rs537912602, ClinGen allele CA406949661.